The following is an entry in ClinVar:

NM_001009944.3(PKD1):c.12139-1G>T

Gene: PKD1 (polycystin 1, transient receptor potential channel interacting; minus strand). Cytogenetic location: 16p13.3.
Variant type: single nucleotide variant.
Coding change: c.12139-1G>T on transcript NM_001009944.3 (MANE Select); the canonical splice acceptor site of the intron before coding-DNA position 12139, G replaced by T.
Molecular consequence: splice acceptor variant.
Genome position (GRCh38, 1-based): chr16:2,090,591, C>A on the plus strand (G>T on the coding strand, the complement: PKD1 is on the minus strand). VCF-style: chr16-2090591-C-A. GRCh37 (hg19) VCF-style: chr16-2140592-C-A.
Other names: c.12136-1G>T (NM_000296.4).
Identifiers: ClinVar variation 805146 (VCV000805146.1), dbSNP rs1596474257, ClinGen allele CA394326814.

ClinVar aggregate classification (germline): Likely pathogenic (1 of 4 stars; one submission).

Submission:

Athena Diagnostics
Classification: Likely pathogenic. Last evaluated: 2019-07-17. Review status: criteria provided, single submitter. Criteria: Athena Diagnostics Criteria. Collection method: clinical testing. Allele origin: germline.
Comment: The variant disrupts a canonical splice site, and is therefore predicted to result in the loss of a functional protein. Not found in the total gnomAD dataset, and the data is high quality (0/271858 chr).